The following is an entry in ClinVar:

NM_003263.4(TLR1):c.543T>C (p.Pro181=)

Gene: TLR1 (toll like receptor 1; minus strand). Cytogenetic location: 4p14.
Variant type: single nucleotide variant.
Coding change: c.543T>C on transcript NM_003263.4 (MANE Select); coding-DNA position 543, T replaced by C.
Protein change: p.Pro181=; no amino-acid change (proline 181 retained).
Molecular consequence: synonymous variant.
Genome position (GRCh38, 1-based): chr4:38,798,289, A>G on the plus strand (T>C on the coding strand, the complement: TLR1 is on the minus strand). VCF-style: chr4-38798289-A-G. GRCh37 (hg19) VCF-style: chr4-38799910-A-G.
Identifiers: ClinVar variation 3058426 (VCV003058426.2), dbSNP rs973046025, ClinGen allele CA95644503.
Genomic context (GRCh38, chr4:38,798,289, plus strand): 5'-TTCTTTGTTTGTGGGGAACACAATGTGCAGACTCTCAGTGTTAAAGTCTTGAAGGCCCTC[A>G]GGGTCTTCTTTTTCCCCATAAGTCTCTCCTAAGACCAGCAAGACCTTGCTGATATTCAAA-3'
Protein context (NP_003254.2, residues 171-191): LGETYGEKED[Pro181=]EGLQDFNTES

ClinVar aggregate classification (germline): Likely benign (0 of 4 stars; one submission).

Conditions:
TLR1-related disorder. Also called: TLR1-related condition.

Allele frequency attached by ClinVar (database versions not stated): gnomAD 0.00001; TOPMed 0.00001.
gnomAD v4.1: 6 of 1,612,416 alleles (0.00037%); highest among the groups gnomAD compares: Admixed American, 0.0084%; no homozygotes.

Submission:

PreventionGenetics, part of Exact Sciences
Classification: Likely benign for TLR1-related condition. Last evaluated: 2020-03-03. Review status: no assertion criteria provided. Collection method: clinical testing. Allele origin: germline.
Comment: This variant is classified as likely benign based on ACMG/AMP sequence variant interpretation guidelines (Richards et al. 2015 PMID: 25741868, with internal and published modifications).